The following is an entry in ClinVar:

ClinVar aggregate classification (germline): Uncertain significance. Review status: criteria provided, multiple submitters, no conflicts (2 of 4 stars). 3 submissions from 3 submitters: Uncertain significance (3). Last evaluated 2025-07-14.

Conditions:
Autosomal dominant limb-girdle muscular dystrophy type 1G (LGMDD3). Also called: Limb-girdle muscular dystrophy, type 1G; MUSCULAR DYSTROPHY, LIMB-GIRDLE, AUTOSOMAL DOMINANT 3. Identifiers: Orphanet 55596, MedGen C1836765, MONDO:0012193, OMIM 609115.

Allele frequency attached by ClinVar (database versions not stated): TOPMed 0.00007; ESP Exome Variant Server 0.00015.

Submissions (3):

Labcorp Genetics (formerly Invitae), Labcorp
Classification: Uncertain significance for Autosomal dominant limb-girdle muscular dystrophy type 1G. Last evaluated: 2025-07-14. Review status: criteria provided, single submitter. Criteria: Invitae Variant Classification Sherloc (09022015). Collection method: clinical testing. Allele origin: germline.
Comment: This sequence change replaces proline, which is neutral and non-polar, with serine, which is neutral and polar, at codon 113 of the HNRNPDL protein (p.Pro113Ser). This variant is present in population databases (rs141595181, gnomAD 0.01%). This variant has not been reported in the literature in individuals affected with HNRNPDL-related conditions. ClinVar contains an entry for this variant (Variation ID: 660387). An algorithm developed to predict the effect of missense changes on protein structure and function (PolyPhen-2) suggests that this variant is likely to be tolerated. In summary, the available evidence is currently insufficient to determine the role of this variant in disease. Therefore, it has been classified as a Variant of Uncertain Significance.

Ambry Genetics
Classification: Uncertain significance. Last evaluated: 2025-04-18. Review status: criteria provided, single submitter. Criteria: Ambry Variant Classification Scheme 2023. Collection method: clinical testing. Allele origin: germline.

Revvity Omics, Revvity
Classification: Uncertain significance for Autosomal dominant limb-girdle muscular dystrophy type 1G. Last evaluated: 2023-11-03. Review status: criteria provided, single submitter. Criteria: ACMG Guidelines, 2015. Collection method: clinical testing. Allele origin: germline.

NM_031372.4(HNRNPDL):c.337C>T (p.Pro113Ser)

Gene: HNRNPDL (heterogeneous nuclear ribonucleoprotein D like; minus strand). Cytogenetic location: 4q21.22.
Variant type: single nucleotide variant.
Coding change: c.337C>T on transcript NM_031372.4 (MANE Select); coding-DNA position 337, C replaced by T.
Protein change: p.Pro113Ser; replaces proline 113 with serine.
Molecular consequence: missense variant. On other transcripts: non-coding transcript variant (1).
Genome position (GRCh38, 1-based): chr4:82,429,354, G>A on the plus strand (C>T on the coding strand, the complement: HNRNPDL is on the minus strand). VCF-style: chr4-82429354-G-A. GRCh37 (hg19) VCF-style: chr4-83350507-G-A.
Other names: c.337C>T, p.Pro113Ser (NM_001207000.1); short protein forms P113S.
Identifiers: ClinVar variation 660387 (VCV000660387.10), dbSNP rs141595181, ClinGen allele CA2985039.